The following is an entry in ClinVar:

NM_014920.5(CILK1):c.666T>C (p.Thr222=)

Gene: CILK1 (ciliogenesis associated kinase 1; minus strand). Cytogenetic location: 6p12.1.
Variant type: single nucleotide variant.
Coding change: c.666T>C on transcript NM_014920.5 (MANE Select); coding-DNA position 666, T replaced by C.
Protein change: p.Thr222=; no amino-acid change (threonine 222 retained).
Molecular consequence: synonymous variant. On other transcripts: non-coding transcript variant (1).
Genome position (GRCh38, 1-based): chr6:53,016,248, A>G on the plus strand (T>C on the coding strand, the complement: CILK1 is on the minus strand). VCF-style: chr6-53016248-A-G. GRCh37 (hg19) VCF-style: chr6-52881046-A-G.
Other names: c.666T>C, p.Thr222= (NM_001375397.1, NM_001375398.1, NM_001375399.1 and 4 more transcripts).
Identifiers: ClinVar variation 734127 (VCV000734127.23), dbSNP rs139739780, ClinGen allele CA3858724.

ClinVar aggregate classification (germline): Benign/Likely benign. Review status: criteria provided, multiple submitters, no conflicts (2 of 4 stars). 4 submissions from 4 submitters: Benign (1); Likely benign (2). 1 of the submissions does not count toward it. Last evaluated 2025-12-08.

Conditions:
CILK1-related disorder. Also called: CILK1-related condition.

Allele frequency attached by ClinVar (database versions not stated): 1000 Genomes Project 30x 0.00078; 1000 Genomes Project 0.00080; gnomAD 0.00123 and 0.00133; ESP Exome Variant Server 0.00146; TOPMed 0.00151.
gnomAD v4.1: 372 of 1,614,054 alleles (0.023%); highest among the groups gnomAD compares: African/African-American, 0.38%; 3 homozygotes.

Submissions (4):

Labcorp Genetics (formerly Invitae), Labcorp
Classification: Benign. Last evaluated: 2025-12-08. Review status: criteria provided, single submitter. Criteria: Invitae Variant Classification Sherloc (09022015). Collection method: clinical testing. Allele origin: germline.

ARUP Laboratories, Molecular Genetics and Genomics, ARUP Laboratories
Classification: Likely benign. Last evaluated: 2025-06-11. Review status: criteria provided, single submitter. Criteria: ARUP Molecular Germline Variant Investigation Process 2024. Collection method: clinical testing. Allele origin: germline.

Blueprint Genetics
Classification: Likely benign. Last evaluated: 2024-10-08. Review status: criteria provided, single submitter. Criteria: ACMG Guidelines, 2015. Collection method: clinical testing. Allele origin: germline.

PreventionGenetics, part of Exact Sciences
Classification: Likely benign for CILK1-related condition. Last evaluated: 2019-08-22. Review status: no assertion criteria provided. Collection method: clinical testing. Allele origin: germline. Not counted in ClinVar's aggregate classification.
Comment: This variant is classified as likely benign based on ACMG/AMP sequence variant interpretation guidelines (Richards et al. 2015 PMID: 25741868, with internal and published modifications).